The following is an entry in ClinVar:

ClinVar aggregate classification (germline): Uncertain significance. Review status: criteria provided, multiple submitters, no conflicts (2 of 4 stars). 2 submissions from 2 submitters: Uncertain significance (2). Last evaluated 2024-03-26.

Conditions:
Charcot-Marie-Tooth disease type 2. Also called: Charcot-Marie-Tooth type 2. Identifiers: Orphanet 64746, MedGen C0270914, MONDO:0018993.

Allele frequency attached by ClinVar (database versions not stated): gnomAD exomes 0.00001; TOPMed 0.00001; gnomAD 0.00001.
gnomAD v4.1: 8 of 1,613,926 alleles (0.0005%); highest among the groups gnomAD compares: Non-Finnish European, 0.00068%; no homozygotes.

Submissions (2):

Labcorp Genetics (formerly Invitae), Labcorp
Classification: Uncertain significance for Charcot-Marie-Tooth disease type 2. Last evaluated: 2024-03-26. Review status: criteria provided, single submitter. Criteria: Invitae Variant Classification Sherloc (09022015). Collection method: clinical testing. Allele origin: germline.
Comment: This sequence change replaces glutamic acid, which is acidic and polar, with aspartic acid, which is acidic and polar, at codon 1146 of the KIF1B protein (p.Glu1146Asp). This variant is not present in population databases (gnomAD no frequency). This variant has not been reported in the literature in individuals affected with KIF1B-related conditions. ClinVar contains an entry for this variant (Variation ID: 1731427). An algorithm developed to predict the effect of missense changes on protein structure and function (PolyPhen-2) suggests that this variant is likely to be disruptive. In summary, the available evidence is currently insufficient to determine the role of this variant in disease. Therefore, it has been classified as a Variant of Uncertain Significance.

Ambry Genetics
Classification: Uncertain significance. Last evaluated: 2024-02-17. Review status: criteria provided, single submitter. Criteria: Ambry Variant Classification Scheme 2023. Collection method: clinical testing. Allele origin: germline.
Comment: The p.E1146D variant (also known as c.3438A>C), located in coding exon 30 of the KIF1B gene, results from an A to C substitution at nucleotide position 3438. The glutamic acid at codon 1146 is replaced by aspartic acid, an amino acid with highly similar properties. This amino acid position is highly conserved in available vertebrate species. In addition, the in silico prediction for this alteration is inconclusive. Since supporting evidence is limited at this time, the clinical significance of this alteration remains unclear.

NM_001365951.3(KIF1B):c.3576A>C (p.Glu1192Asp)

Gene: KIF1B (kinesin family member 1B; plus strand). Cytogenetic location: 1p36.22.
Variant type: single nucleotide variant.
Coding change: c.3576A>C on transcript NM_001365951.3 (MANE Select); coding-DNA position 3576, A replaced by C.
Protein change: p.Glu1192Asp; replaces glutamic acid 1192 with aspartic acid.
Molecular consequence: missense variant.
Genome position (GRCh38, 1-based): chr1:10,342,112, A>C. VCF-style: chr1-10342112-A-C. GRCh37 (hg19) VCF-style: chr1-10402170-A-C.
Other names: c.3576A>C, p.Glu1192Asp (NM_001365952.1); c.3438A>C, p.Glu1146Asp (NM_015074.3); short protein forms E1146D, E1192D.
Identifiers: ClinVar variation 1731427 (VCV001731427.7), dbSNP rs1022361465, ClinGen allele CA17843708.